The following is an entry in ClinVar:

ClinVar aggregate classification (germline): Uncertain significance (1 of 4 stars; one submission).

Conditions:
Cardiovascular phenotype. Identifiers: MedGen CN230736.

Submission:

Ambry Genetics
Classification: Uncertain significance for Cardiovascular phenotype. Last evaluated: 2026-07-19. Review status: criteria provided, single submitter. Criteria: Ambry Variant Classification Scheme 2023. Collection method: clinical testing. Allele origin: germline.
Comment: The p.G3686S variant (also known as c.11056G>A), located in coding exon 2 of the ZNF469 gene, results from a G to A substitution at nucleotide position 11056. The glycine at codon 3686 is replaced by serine, an amino acid with similar properties. This amino acid position is conserved. In addition, this alteration is predicted to be tolerated by in silico analysis. Based on the available evidence, the clinical significance of this variant remains unclear.

NM_001367624.2(ZNF469):c.11140G>A (p.Gly3714Ser)

Gene: ZNF469 (zinc finger protein 469; plus strand). Cytogenetic location: 16q24.2.
Variant type: single nucleotide variant.
Coding change: c.11140G>A on transcript NM_001367624.2 (MANE Select); coding-DNA position 11140, G replaced by A.
Protein change: p.Gly3714Ser; replaces glycine 3714 with serine.
Molecular consequence: missense variant.
Genome position (GRCh38, 1-based): chr16:88,438,610, G>A. VCF-style: chr16-88438610-G-A. GRCh37 (hg19) VCF-style: chr16-88505018-G-A.
Other names: NM_001127464.1:c.11056G>A; short protein forms G3714S.
Identifiers: ClinVar variation 5032225 (VCV005032225.1).